The following is an entry in ClinVar:

ClinVar aggregate classification (germline): Benign/Likely benign. Review status: criteria provided, multiple submitters, no conflicts (2 of 4 stars). 2 submissions from 2 submitters: Benign (1); Likely benign (1). Last evaluated 2025-02-07.

Conditions:
POLD1-related polyposis and colorectal cancer syndrome (CRCS10). Also called: Colorectal cancer, susceptibility to, 10; Colorectal cancer 10; COLORECTAL CANCER, SUSCEPTIBILITY TO, ON CHROMOSOME 19q. Identifiers: Orphanet 220460, MedGen C2675481, MONDO:0012953, OMIM 612591.

Submissions (2):

Myriad Genetics, Inc.
Classification: Benign for POLD1-related polyposis and colorectal cancer syndrome. Last evaluated: 2025-02-07. Review status: criteria provided, single submitter. Criteria: Myriad Autosomal Dominant, Autosomal Recessive and X-Linked Classification Criteria (2023). Collection method: clinical testing. Allele origin: unknown.
Comment: This variant is considered benign. This variant is a silent/synonymous amino acid change and it is not expected to impact splicing.

Labcorp Genetics (formerly Invitae), Labcorp
Classification: Likely benign for POLD1-related polyposis and colorectal cancer syndrome. Last evaluated: 2024-11-07. Review status: criteria provided, single submitter. Criteria: Invitae Variant Classification Sherloc (09022015). Collection method: clinical testing. Allele origin: germline.

NM_002691.4(POLD1):c.1677G>C (p.Leu559=)

Gene: POLD1 (DNA polymerase delta 1, catalytic subunit; plus strand). Cytogenetic location: 19q13.33.
Variant type: single nucleotide variant.
Coding change: c.1677G>C on transcript NM_002691.4 (MANE Select); coding-DNA position 1677, G replaced by C.
Protein change: p.Leu559=; no amino-acid change (leucine 559 retained).
Molecular consequence: synonymous variant. On other transcripts: non-coding transcript variant (1).
Genome position (GRCh38, 1-based): chr19:50,407,165, G>C. VCF-style: chr19-50407165-G-C. GRCh37 (hg19) VCF-style: chr19-50910422-G-C.
Other names: c.1677G>C, p.Leu559= (NM_001256849.1, NM_001308632.1).
Identifiers: ClinVar variation 1121255 (VCV001121255.10), dbSNP rs1555791446, ClinGen allele CA508184182.
Genomic context (GRCh38, chr19:50,407,165, plus strand): 5'-TGGCGTGCCCCTCAGCTACCTGCTCAGTCGTGGCCAGCAGGTCAAGGTCGTATCCCAGCT[G>C]TTGCGGCAGGTCAGTAGCCGAGACTTGTCCTCGCCACCCCCCACCAGGCACGTCTGTGGC-3'
Protein context (NP_002682.2, residues 549-569): RGQQVKVVSQ[Leu559=]LRQAMHEGLL